The following is an entry in ClinVar:

NM_015915.5(ATL1):c.1379T>A (p.Val460Glu)

Gene: ATL1 (atlastin GTPase 1; plus strand). Cytogenetic location: 14q22.1.
Variant type: single nucleotide variant.
Coding change: c.1379T>A on transcript NM_015915.5 (MANE Select); coding-DNA position 1379, T replaced by A.
Protein change: p.Val460Glu; replaces valine 460 with glutamic acid.
Molecular consequence: missense variant.
Genome position (GRCh38, 1-based): chr14:50,628,290, T>A. VCF-style: chr14-50628290-T-A. GRCh37 (hg19) VCF-style: chr14-51095008-T-A.
Other names: c.1379T>A, p.Val460Glu (NM_001127713.1, NM_181598.4); short protein forms V460E.
Identifiers: ClinVar variation 471247 (VCV000471247.8), dbSNP rs1555365871, ClinGen allele CA389676161.
Genomic context (GRCh38, chr14:50,628,290, plus strand): 5'-ATATCTTCCATGCAGCTCGTACCCCAGCCACACTGTTTGTAGTCATCTTTATCACATATG[T>A]GATTGCTGGTGTGACTGGATTCATTGGTTTGGACATCATAGCTAGCCTATGCAATATGAT-3'
Protein context (NP_056999.2, residues 450-470): TLFVVIFITY[Val460Glu]IAGVTGFIGL

ClinVar aggregate classification (germline): Uncertain significance (1 of 4 stars; one submission).

Conditions:
Hereditary spastic paraplegia 3A (SPG3A). Also called: SPASTIC PARAPLEGIA 3, AUTOSOMAL DOMINANT; FAMILIAL SPASTIC PARAPLEGIA, AUTOSOMAL DOMINANT, 1; SPG3; STRUMPELL DISEASE; Spastic Paraplegia 3A; Spastic paraplegia 3A, autosomal dominant. Identifiers: Orphanet 100984, MedGen C2931355, MONDO:0008437, OMIM 182600.

Submission:

Labcorp Genetics (formerly Invitae), Labcorp
Classification: Uncertain significance for Hereditary spastic paraplegia 3A. Last evaluated: 2020-04-23. Review status: criteria provided, single submitter. Criteria: Invitae Variant Classification Sherloc (09022015). Collection method: clinical testing. Allele origin: germline.
Comment: In summary, this variant is a novel missense change with uncertain impact on protein function. It has been classified as a Variant of Uncertain Significance. Algorithms developed to predict the effect of missense changes on protein structure and function (SIFT, PolyPhen-2, Align-GVGD) all suggest that this variant is likely to be disruptive, but these predictions have not been confirmed by published functional studies. This variant is not present in population databases (ExAC no frequency) and has not been reported in the literature in individuals with an ATL1-related disease. This sequence change replaces valine with glutamic acid at codon 460 of the ATL1 protein (p.Val460Glu). The valine residue is highly conserved and there is a moderate physicochemical difference between valine and glutamic acid.